The following is an entry in ClinVar:

ClinVar aggregate classification (germline): Likely pathogenic (1 of 4 stars; one submission).

Conditions:
Wilson disease (WND). Also called: Wilson's disease. Identifiers: Orphanet 905, MedGen C0019202, MONDO:0010200, OMIM 277900. Disease mechanism: loss of function.

Submission:

Labcorp Genetics (formerly Invitae), Labcorp
Classification: Likely pathogenic for Wilson disease. Last evaluated: 2021-05-18. Review status: criteria provided, single submitter. Criteria: Invitae Variant Classification Sherloc (09022015). Collection method: clinical testing. Allele origin: germline.
Comment: In summary, the currently available evidence indicates that the variant is pathogenic, but additional data are needed to prove that conclusively. Therefore, this variant has been classified as Likely Pathogenic. Algorithms developed to predict the effect of sequence changes on RNA splicing suggest that this variant may disrupt the consensus splice site, but this prediction has not been confirmed by published transcriptional studies. This variant has not been reported in the literature in individuals with ATP7B-related conditions. This variant is not present in population databases (ExAC no frequency). This sequence change affects a donor splice site in intron 11 of the ATP7B gene. It is expected to disrupt RNA splicing. Variants that disrupt the donor or acceptor splice site typically lead to a loss of protein function (PMID: 16199547), and loss-of-function variants in ATP7B are known to be pathogenic (PMID: 10441329, 16283883).

Literature cited by the submitters: PubMed 16199547; PubMed 10441329; PubMed 16283883.

NM_000053.4(ATP7B):c.2730+2T>C

Gene: ATP7B (ATPase copper transporting beta; minus strand). Cytogenetic location: 13q14.3.
Variant type: single nucleotide variant.
Coding change: c.2730+2T>C on transcript NM_000053.4 (MANE Select); the canonical splice donor site of the intron after coding-DNA position 2730, T replaced by C.
Molecular consequence: splice donor variant.
Genome position (GRCh38, 1-based): chr13:51,950,005, A>G on the plus strand (T>C on the coding strand, the complement: ATP7B is on the minus strand). VCF-style: chr13-51950005-A-G. GRCh37 (hg19) VCF-style: chr13-52524141-A-G.
Other names: c.2244+2T>C (NM_001406541.1, NM_001005918.3, NM_001406546.1 and 1 more transcripts); c.2478+2T>C (NM_001406531.1, NM_001406532.1, NM_001406540.1 and 1 more transcripts); c.2496+2T>C (NM_001406527.1, NM_001406528.1, NM_001406534.1 and 2 more transcripts); c.2586+2T>C (NM_001406537.1, NM_001406521.1, NM_001406522.1 and 1 more transcripts); c.2730+2T>C (NM_001406513.1, NM_001406511.1, NM_001406516.1 and 7 more transcripts); c.2382+2T>C (NM_001406543.1); c.2397+2T>C (NM_001243182.2); c.1440+2T>C (NM_001406548.1); and 8 more.
Identifiers: ClinVar variation 1503801 (VCV001503801.8), dbSNP rs2139201007, ClinGen allele CA388034025.